The following is an entry in ClinVar:

ClinVar aggregate classification (germline): Uncertain significance (1 of 4 stars; one submission).

Submission:

Labcorp Genetics (formerly Invitae), Labcorp
Classification: Uncertain significance. Last evaluated: 2022-08-28. Review status: criteria provided, single submitter. Criteria: Invitae Variant Classification Sherloc (09022015). Collection method: clinical testing. Allele origin: germline.
Comment: In summary, the available evidence is currently insufficient to determine the role of this variant in disease. Therefore, it has been classified as a Variant of Uncertain Significance. Experimental studies and prediction algorithms are not available or were not evaluated, and the functional significance of this variant is currently unknown. This variant has not been reported in the literature in individuals affected with ARMC9-related conditions. This variant is not present in population databases (gnomAD no frequency). This sequence change replaces phenylalanine, which is neutral and non-polar, with leucine, which is neutral and non-polar, at codon 274 of the ARMC9 protein (p.Phe274Leu).

NM_001352754.2(ARMC9):c.822C>G (p.Phe274Leu)

Gene: ARMC9 (armadillo repeat containing 9; plus strand). Cytogenetic location: 2q37.1.
Variant type: single nucleotide variant.
Coding change: c.822C>G on transcript NM_001352754.2 (MANE Select); coding-DNA position 822, C replaced by G.
Protein change: p.Phe274Leu; replaces phenylalanine 274 with leucine.
Molecular consequence: missense variant. On other transcripts: non-coding transcript variant (1), intron variant (2).
Genome position (GRCh38, 1-based): chr2:231,239,984, C>G. VCF-style: chr2-231239984-C-G. GRCh37 (hg19) VCF-style: chr2-232104697-C-G.
Other names: c.822C>G, p.Phe274Leu (NM_001271466.4, NM_001291656.2, NM_001352755.2 and 3 more transcripts); c.780+4603C>G (NM_001352757.2, NM_001352758.2); short protein forms F274L.
Identifiers: ClinVar variation 1718976 (VCV001718976.5), dbSNP rs2469679773, ClinGen allele CA350952456.